The following is an entry in ClinVar:

ClinVar aggregate classification (germline): Uncertain significance (1 of 4 stars; one submission).

Conditions:
Charcot-Marie-Tooth disease axonal type 2C (HMSN2C). Also called: CHARCOT-MARIE-TOOTH DISEASE, AXONAL, AUTOSOMAL DOMINANT, TYPE 2C; Charcot-Marie-Tooth Neuropathy Type 2C; Charcot-Marie-Tooth Disease Type 2, TRPV4-Related (CMT2C). Identifiers: Orphanet 99937, MedGen C1853710, MONDO:0011633, OMIM 606071.

gnomAD v4.1: 1 of 1,613,802 alleles (0.000062%); highest among the groups gnomAD compares: African/African-American, 0.0013%; no homozygotes.

Submission:

Labcorp Genetics (formerly Invitae), Labcorp
Classification: Uncertain significance for Charcot-Marie-Tooth disease axonal type 2C. Last evaluated: 2024-09-12. Review status: criteria provided, single submitter. Criteria: Invitae Variant Classification Sherloc (09022015). Collection method: clinical testing. Allele origin: germline.
Comment: This sequence change replaces glutamine, which is neutral and polar, with arginine, which is basic and polar, at codon 141 of the TRPV4 protein (p.Gln141Arg). This variant is not present in population databases (gnomAD no frequency). This variant has not been reported in the literature in individuals affected with TRPV4-related conditions. Invitae Evidence Modeling of protein sequence and biophysical properties (such as structural, functional, and spatial information, amino acid conservation, physicochemical variation, residue mobility, and thermodynamic stability) indicates that this missense variant is not expected to disrupt TRPV4 protein function with a negative predictive value of 95%. In summary, the available evidence is currently insufficient to determine the role of this variant in disease. Therefore, it has been classified as a Variant of Uncertain Significance.

NM_021625.5(TRPV4):c.422A>G (p.Gln141Arg)

Gene: TRPV4 (transient receptor potential cation channel subfamily V member 4; minus strand). Cytogenetic location: 12q24.11.
Variant type: single nucleotide variant.
Coding change: c.422A>G on transcript NM_021625.5 (MANE Select); coding-DNA position 422, A replaced by G.
Protein change: p.Gln141Arg; replaces glutamine 141 with arginine.
Molecular consequence: missense variant.
Genome position (GRCh38, 1-based): chr12:109,808,433, T>C on the plus strand (A>G on the coding strand, the complement: TRPV4 is on the minus strand). VCF-style: chr12-109808433-T-C. GRCh37 (hg19) VCF-style: chr12-110246238-T-C.
Other names: c.422A>G, p.Gln141Arg (NM_001177428.2, NM_001177433.2, NM_147204.3); c.320A>G, p.Gln107Arg (NM_001177431.2); short protein forms Q107R, Q141R.
Identifiers: ClinVar variation 3637655 (VCV003637655.2).